The following is an entry in ClinVar:

ClinVar aggregate classification (germline): Uncertain significance. Review status: criteria provided, multiple submitters, no conflicts (2 of 4 stars). 2 submissions from 2 submitters: Uncertain significance (2). Last evaluated 2024-05-04.

Conditions:
Hereditary cancer-predisposing syndrome. Also called: Neoplastic Syndromes, Hereditary; Tumor predisposition; Hereditary neoplastic syndrome; Hereditary Cancer Syndrome. Identifiers: Orphanet 140162, MedGen C0027672, MeSH D009386, MONDO:0015356.

Allele frequency attached by ClinVar (database versions not stated): gnomAD exomes below 0.00001; gnomAD 0.00001; TOPMed 0.00001.
gnomAD v4.1: 6 of 1,613,852 alleles (0.00037%); highest among the groups gnomAD compares: Non-Finnish European, 0.00051%; no homozygotes.

Submissions (2):

Ambry Genetics
Classification: Uncertain significance for Hereditary cancer-predisposing syndrome. Last evaluated: 2024-05-04. Review status: criteria provided, single submitter. Criteria: Ambry Variant Classification Scheme 2023. Collection method: clinical testing. Allele origin: germline.
Comment: The p.T444I variant (also known as c.1331C>T), located in coding exon 8 of the MSH3 gene, results from a C to T substitution at nucleotide position 1331. The threonine at codon 444 is replaced by isoleucine, an amino acid with similar properties. This amino acid position is conserved. In addition, the in silico prediction for this alteration is inconclusive. Based on the available evidence, the clinical significance of this variant remains unclear.

Labcorp Genetics (formerly Invitae), Labcorp
Classification: Uncertain significance. Last evaluated: 2024-04-22. Review status: criteria provided, single submitter. Criteria: Invitae Variant Classification Sherloc (09022015). Collection method: clinical testing. Allele origin: germline.
Comment: This sequence change replaces threonine, which is neutral and polar, with isoleucine, which is neutral and non-polar, at codon 444 of the MSH3 protein (p.Thr444Ile). This variant is present in population databases (no rsID available, gnomAD 0.0009%). This variant has not been reported in the literature in individuals affected with MSH3-related conditions. ClinVar contains an entry for this variant (Variation ID: 641889). An algorithm developed to predict the effect of missense changes on protein structure and function (PolyPhen-2) suggests that this variant is likely to be tolerated. In summary, the available evidence is currently insufficient to determine the role of this variant in disease. Therefore, it has been classified as a Variant of Uncertain Significance.

NM_002439.5(MSH3):c.1331C>T (p.Thr444Ile)

Gene: MSH3 (mutS homolog 3; plus strand). Cytogenetic location: 5q14.1.
Variant type: single nucleotide variant.
Coding change: c.1331C>T on transcript NM_002439.5 (MANE Select); coding-DNA position 1331, C replaced by T.
Protein change: p.Thr444Ile; replaces threonine 444 with isoleucine.
Molecular consequence: missense variant.
Genome position (GRCh38, 1-based): chr5:80,679,084, C>T. VCF-style: chr5-80679084-C-T. GRCh37 (hg19) VCF-style: chr5-79974903-C-T.
Other names: c.1331C>T (NM_002439.3); short protein forms T444I.
Identifiers: ClinVar variation 641889 (VCV000641889.11), dbSNP rs925623233, ClinGen allele CA360269137.